The following is an entry in ClinVar:

ClinVar aggregate classification (germline): Uncertain significance. Review status: criteria provided, multiple submitters, no conflicts (2 of 4 stars). 2 submissions from 2 submitters: Uncertain significance (2). Last evaluated 2021-04-21.

Allele frequency attached by ClinVar (database versions not stated): gnomAD exomes below 0.00001; TOPMed 0.00001.
gnomAD v4.1: 4 of 1,462,286 alleles (0.00027%); highest among the groups gnomAD compares: Non-Finnish European, 0.00038%; no homozygotes.

Submissions (2):

Revvity Omics, Revvity
Classification: Uncertain significance. Last evaluated: 2021-04-21. Review status: criteria provided, single submitter. Criteria: ACMG Guidelines, 2015. Collection method: clinical testing. Allele origin: germline.

Labcorp Genetics (formerly Invitae), Labcorp
Classification: Uncertain significance. Last evaluated: 2021-03-31. Review status: criteria provided, single submitter. Criteria: Invitae Variant Classification Sherloc (09022015). Collection method: clinical testing. Allele origin: germline.
Comment: This sequence change affects a donor splice site in intron 8 of the IL12RB2 gene. It is expected to disrupt RNA splicing. Variants that disrupt the donor or acceptor splice site typically lead to a loss of protein function (PMID: 16199547), however the current clinical and genetic evidence is not sufficient to establish whether loss-of-function variants in IL12RB2 cause disease. This variant is not present in population databases (ExAC no frequency). This variant has not been reported in the literature in individuals with IL12RB2-related conditions. Algorithms developed to predict the effect of sequence changes on RNA splicing suggest that this variant may disrupt the consensus splice site, but this prediction has not been confirmed by published transcriptional studies. In summary, the available evidence is currently insufficient to determine the role of this variant in disease. Therefore, it has been classified as a Variant of Uncertain Significance.

Literature cited by the submitters: PubMed 16199547 (cited by Labcorp Genetics (formerly Invitae), Labcorp).

NM_001374259.2(IL12RB2):c.1038+1G>A

Gene: IL12RB2 (interleukin 12 receptor subunit beta 2; plus strand). Cytogenetic location: 1p31.3.
Variant type: single nucleotide variant.
Coding change: c.1038+1G>A on transcript NM_001374259.2 (MANE Select); the canonical splice donor site of the intron after coding-DNA position 1038, G replaced by A.
Molecular consequence: splice donor variant.
Genome position (GRCh38, 1-based): chr1:67,338,704, G>A. VCF-style: chr1-67338704-G-A. GRCh37 (hg19) VCF-style: chr1-67804387-G-A.
Other names: c.1038+1G>A (NM_001258214.1, NM_001319233.1, NM_001258216.1 and 3 more transcripts).
Identifiers: ClinVar variation 1356037 (VCV001356037.10), dbSNP rs1456230778, ClinGen allele CA340734820.